The following is an entry in ClinVar:

ClinVar aggregate classification (germline): Uncertain significance. Review status: criteria provided, multiple submitters, no conflicts (2 of 4 stars). 2 submissions from 2 submitters: Uncertain significance (2). Last evaluated 2025-05-14.

Conditions:
Developmental and epileptic encephalopathy, 14 (DEE14). Also called: Early infantile epileptic encephalopathy 14. Identifiers: Orphanet 293181, MedGen C3554195, MONDO:0013989, OMIM 614959.
Autosomal dominant nocturnal frontal lobe epilepsy 5. Also called: Epilepsy, nocturnal frontal lobe, 5; CILIARY DYSKINESIA, PRIMARY, 28, WITHOUT SITUS INVERSUS; CILIARY DYSKINESIA, PRIMARY, 28, WITH SITUS INVERSUS; KCNT1-Related Epilepsy. Identifiers: Orphanet 98784, MedGen C3554306, MONDO:0014002, OMIM 615005.

Allele frequency attached by ClinVar (database versions not stated): TOPMed below 0.00001.

Submissions (2):

Labcorp Genetics (formerly Invitae), Labcorp
Classification: Uncertain significance for Autosomal dominant nocturnal frontal lobe epilepsy 5; Developmental and epileptic encephalopathy, 14. Last evaluated: 2025-05-14. Review status: criteria provided, single submitter. Criteria: Invitae Variant Classification Sherloc (09022015). Collection method: clinical testing. Allele origin: germline.
Comment: This sequence change replaces histidine, which is basic and polar, with tyrosine, which is neutral and polar, at codon 588 of the KCNT1 protein (p.His588Tyr). This variant is not present in population databases (gnomAD no frequency). This variant has not been reported in the literature in individuals affected with KCNT1-related conditions. ClinVar contains an entry for this variant (Variation ID: 2933302). Invitae Evidence Modeling of protein sequence and biophysical properties (such as structural, functional, and spatial information, amino acid conservation, physicochemical variation, residue mobility, and thermodynamic stability) indicates that this missense variant is not expected to disrupt KCNT1 protein function with a negative predictive value of 80%. In summary, the available evidence is currently insufficient to determine the role of this variant in disease. Therefore, it has been classified as a Variant of Uncertain Significance.

Blueprint Genetics
Classification: Uncertain significance. Last evaluated: 2024-08-29. Review status: criteria provided, single submitter. Criteria: ACMG Guidelines, 2015. Collection method: clinical testing. Allele origin: germline.

NM_020822.3(KCNT1):c.1762C>T (p.His588Tyr)

Gene: KCNT1 (potassium sodium-activated channel subfamily T member 1; plus strand). Cytogenetic location: 9q34.3.
Variant type: single nucleotide variant.
Coding change: c.1762C>T on transcript NM_020822.3 (MANE Select); coding-DNA position 1762, C replaced by T.
Protein change: p.His588Tyr; replaces histidine 588 with tyrosine.
Molecular consequence: missense variant.
Genome position (GRCh38, 1-based): chr9:135,770,440, C>T. VCF-style: chr9-135770440-C-T. GRCh37 (hg19) VCF-style: chr9-138662286-C-T.
Other names: c.1627C>T, p.His543Tyr (NM_001272003.2); short protein forms H543Y, H588Y.
Identifiers: ClinVar variation 2933302 (VCV002933302.4), dbSNP rs1832674799, ClinGen allele CA375506862.